The following is an entry in ClinVar:

ClinVar aggregate classification (germline): Likely benign (1 of 4 stars; one submission).

Conditions:
Intellectual developmental disorder, autosomal dominant 52. Also called: Intellectual disability, autosomal dominant 52; Mental retardation, autosomal dominant 52. Identifiers: MedGen C4540478, MONDO:0030918, OMIM 617796.

gnomAD v4.1: 7 of 1,591,660 alleles (0.00044%); highest among the groups gnomAD compares: Non-Finnish European, 0.0006%; no homozygotes.

Submission:

Victorian Clinical Genetics Services, Murdoch Childrens Research Institute
Classification: Likely benign for Intellectual developmental disorder, autosomal dominant 52. Last evaluated: 2022-06-24. Review status: criteria provided, single submitter. Criteria: ACMG Guidelines, 2015. Collection method: clinical testing. Allele origin: germline. Inheritance: Autosomal dominant inheritance. Affected: yes.
Comment: Based on the classification scheme VCGS_Germline_v1.3.4, this variant is classified as Likely Benign. Following criteria are met: 0102 - Loss of function is a known mechanism of disease in this gene and is associated with ASH1L-related intellectual disability (MIM# 617796). (I) 0107 - This gene is associated with autosomal dominant disease. (I) 0200 - Variant is predicted to result in a missense amino acid change from glutamine to arginine. (I) 0251 - This variant is heterozygous. (I) 0301 - Variant is absent from gnomAD (both v2 and v3). (SP) 0309 - An alternative amino acid change at the same position has been observed in gnomAD (v2: 1 heterozygote, 0 homozygotes). (I) 0503 - Missense variant consistently predicted to be tolerated by multiple in silico tools or not conserved in placental mammals with a minor amino acid change. (SB) 0604 - Variant is not located in an established domain, motif, hotspot or informative constraint region. (I) 0705 - No comparable missense variants have previous evidence for pathogenicity. (I) 0807 - This variant has no previous evidence of pathogenicity. (I) 0905 - No published segregation evidence has been identified for this variant. (I) 1007 - No published functional evidence has been identified for this variant. (I) Legend: (SP) - Supporting pathogenic, (I) - Information, (SB) - Supporting benign

NM_018489.3(ASH1L):c.5786A>G (p.Gln1929Arg)

Gene: ASH1L (ASH1 like histone lysine methyltransferase; minus strand). Cytogenetic location: 1q22.
Variant type: single nucleotide variant.
Coding change: c.5786A>G on transcript NM_018489.3 (MANE Select); coding-DNA position 5786, A replaced by G.
Protein change: p.Gln1929Arg; replaces glutamine 1929 with arginine.
Molecular consequence: missense variant.
Genome position (GRCh38, 1-based): chr1:155,438,369, T>C on the plus strand (A>G on the coding strand, the complement: ASH1L is on the minus strand). VCF-style: chr1-155438369-T-C. GRCh37 (hg19) VCF-style: chr1-155408160-T-C.
Other names: c.5786A>G, p.Gln1929Arg (NM_001366177.2); short protein forms Q1929R.
Identifiers: ClinVar variation 1805374 (VCV001805374.2), dbSNP rs1395890142, ClinGen allele CA342686777.